The following is an entry in ClinVar:

NM_020975.6(RET):c.3188-1G>A

Gene: RET (ret proto-oncogene; plus strand). Cytogenetic location: 10q11.21.
Variant type: single nucleotide variant.
Coding change: c.3188-1G>A on transcript NM_020975.6 (MANE Select); the canonical splice acceptor site of the intron before coding-DNA position 3188, G replaced by A.
Molecular consequence: splice acceptor variant. On other transcripts: 3 prime UTR variant (18), intron variant (3).
Genome position (GRCh38, 1-based): chr10:43,128,111, G>A. VCF-style: chr10-43128111-G-A. GRCh37 (hg19) VCF-style: chr10-43623559-G-A.
Other names: c.*1357G>A (NM_001355216.2, NM_001406764.1, NM_001406765.1 and 15 more transcripts); c.3188-1G>A (NM_001406743.1); c.3187+1389G>A (NM_001406744.1); c.3128-1G>A (NM_001406759.1, NM_001406760.1); c.3053-1G>A (NM_001406763.1); c.2792-1G>A (NM_001406769.1); c.2750-1G>A (NM_001406771.1); c.2291-1G>A (NM_001406780.1, NM_001406779.1); and 10 more.
Identifiers: ClinVar variation 4152812 (VCV004152812.1).

ClinVar aggregate classification (germline): Uncertain significance (1 of 4 stars; one submission).

Conditions:
Hereditary cancer-predisposing syndrome. Also called: Neoplastic Syndromes, Hereditary; Tumor predisposition; Hereditary Cancer Syndrome; Hereditary neoplastic syndrome. Identifiers: Orphanet 140162, MedGen C0027672, MeSH D009386, MONDO:0015356.

Submission:

Ambry Genetics
Classification: Uncertain significance for Hereditary cancer-predisposing syndrome. Last evaluated: 2025-08-19. Review status: criteria provided, single submitter. Criteria: Ambry Variant Classification Scheme 2023. Collection method: clinical testing. Allele origin: germline.
Comment: The c.3188-1G>A intronic variant results from a G to A substitution one nucleotide upstream from coding exon 20 of the RET gene. This alteration occurs at the 3' terminus of the RET gene, is not expected to trigger nonsense-mediated mRNA decay, and only impacts the last 4.6% of the protein. The exact functional effect of this alteration is unknown. This nucleotide position is highly conserved in available vertebrate species. In silico splice site analysis predicts that this alteration will weaken the native splice acceptor site. Based on the available evidence, the clinical significance of this variant remains unclear.